The following is an entry in ClinVar:

NM_002016.2(FLG):c.10262G>A (p.Ser3421Asn)

Genes: CCDST (cervical cancer associated DHX9 suppressive transcript; plus strand), FLG (filaggrin; minus strand). Cytogenetic location: 1q21.3.
Variant type: single nucleotide variant.
Coding change: c.10262G>A on transcript NM_002016.2 (MANE Select); coding-DNA position 10262, G replaced by A.
Protein change: p.Ser3421Asn; replaces serine 3421 with asparagine.
Molecular consequence: missense variant.
Genome position (GRCh38, 1-based): chr1:152,304,624, C>T on the plus strand (G>A on the coding strand, the complement: FLG is on the minus strand). VCF-style: chr1-152304624-C-T. GRCh37 (hg19) VCF-style: chr1-152277100-C-T.
Other names: short protein forms S3421N.
Identifiers: ClinVar variation 1297609 (VCV001297609.18), dbSNP rs139262132, ClinGen allele CA1103443.

ClinVar aggregate classification (germline): Conflicting classifications of pathogenicity. Review status: criteria provided, conflicting classifications (1 of 4 stars). 5 submissions from 5 submitters: Likely pathogenic (1); Benign (1); Likely benign (1). 2 of the submissions do not count toward it. Last evaluated 2025-12-01.

Conditions:
Dermatitis, atopic, 2. Identifiers: MedGen C1853965, MONDO:0011596, OMIM 605803.

Allele frequency attached by ClinVar (database versions not stated): 1000 Genomes Project 30x 0.00125; 1000 Genomes Project 0.00140; ESP Exome Variant Server 0.00346; gnomAD exomes 0.00524 and 0.00570; ExAC 0.00550.
gnomAD v4.1: 8,276 of 1,612,998 alleles (0.51%); highest among the groups gnomAD compares: Non-Finnish European, 0.51%; 81 homozygotes.

Submissions (5):

CeGaT Center for Human Genetics Tuebingen
Classification: Likely benign. Last evaluated: 2025-12-01. Review status: criteria provided, single submitter. Criteria: CeGaT Center For Human Genetics Tuebingen Variant Classification Criteria Version 2. Collection method: clinical testing. Allele origin: germline. Affected: yes. Observed: 4 variant alleles.
Comment: FLG: BP4, BS2

Department of Human Genetics, Hannover Medical School
Classification: Likely pathogenic for Dermatitis, atopic, 2. Last evaluated: 2024-10-29. Review status: criteria provided, single submitter. Criteria: ACMG Guidelines, 2015. Collection method: clinical testing. Allele origin: germline. Affected: yes.

Breakthrough Genomics
Classification: Benign. Review status: criteria provided, single submitter. Criteria: ACMG Guidelines, 2015. Collection method: not provided. Allele origin: germline. Inheritance: Autosomal dominant inheritance. Affected: yes.

Clinical Genetics DNA and cytogenetics Diagnostics Lab, Erasmus MC, Erasmus Medical Center
Classification: Likely benign. Review status: no assertion criteria provided. Collection method: clinical testing. Allele origin: germline. Affected: yes. Study: VKGL Data-share Consensus. Not counted in ClinVar's aggregate classification.

Joint Genome Diagnostic Labs from Nijmegen and Maastricht, Radboudumc and MUMC+
Classification: Benign. Review status: no assertion criteria provided. Collection method: clinical testing. Allele origin: germline. Affected: yes. Study: VKGL Data-share Consensus. Not counted in ClinVar's aggregate classification.